The following is an entry in ClinVar:

ClinVar aggregate classification (germline): Uncertain significance. Review status: criteria provided, multiple submitters, no conflicts (2 of 4 stars). 2 submissions from 2 submitters: Uncertain significance (2). Last evaluated 2024-08-12.

Conditions:
Holoprosencephaly 9 (HPE9). Also called: HOLOPROSENCEPHALY WITH MICROPHTHALMIA AND FIRST BRANCHIAL ARCH ANOMALIES; PITUITARY ANOMALIES WITH HOLOPROSENCEPHALY-LIKE FEATURES. Identifiers: Orphanet 2162, MedGen C1835819, MONDO:0012563, OMIM 610829.
Postaxial polydactyly-anterior pituitary anomalies-facial dysmorphism syndrome. Also called: Culler-Jones syndrome. Identifiers: Orphanet 420584, MedGen C4014479, MONDO:0014369, OMIM 615849.

Allele frequency attached by ClinVar (database versions not stated): gnomAD 0.00001 and 0.00003; TOPMed 0.00002; ExAC 0.00006; gnomAD exomes 0.00006; 1000 Genomes Project 0.00020; 1000 Genomes Project 30x 0.00031.
gnomAD v4.1: 35 of 1,609,154 alleles (0.0022%); highest among the groups gnomAD compares: South Asian, 0.023%; no homozygotes.

Submissions (2):

Labcorp Genetics (formerly Invitae), Labcorp
Classification: Uncertain significance for Postaxial polydactyly-anterior pituitary anomalies-facial dysmorphism syndrome; Holoprosencephaly 9. Last evaluated: 2024-08-12. Review status: criteria provided, single submitter. Criteria: Invitae Variant Classification Sherloc (09022015). Collection method: clinical testing. Allele origin: germline.
Comment: This sequence change replaces glycine, which is neutral and non-polar, with serine, which is neutral and polar, at codon 82 of the GLI2 protein (p.Gly82Ser). This variant is present in population databases (rs531807595, gnomAD 0.04%), and has an allele count higher than expected for a pathogenic variant. This variant has not been reported in the literature in individuals affected with GLI2-related conditions. ClinVar contains an entry for this variant (Variation ID: 330965). An algorithm developed to predict the effect of missense changes on protein structure and function outputs the following: PolyPhen-2: "Benign". The serine amino acid residue is found in multiple mammalian species, which suggests that this missense change does not adversely affect protein function. In summary, the available evidence is currently insufficient to determine the role of this variant in disease. Therefore, it has been classified as a Variant of Uncertain Significance.

Illumina Laboratory Services, Illumina
Classification: Uncertain significance for Holoprosencephaly 9. Last evaluated: 2018-01-13. Review status: criteria provided, single submitter. Criteria: ICSL Variant Classification Criteria 13 December 2019. Collection method: clinical testing. Allele origin: germline.

NM_001374353.1(GLI2):c.244G>A (p.Gly82Ser)

Gene: GLI2 (GLI family zinc finger 2; plus strand). Cytogenetic location: 2q14.2.
Variant type: single nucleotide variant.
Coding change: c.244G>A on transcript NM_001374353.1 (MANE Select); coding-DNA position 244, G replaced by A.
Protein change: p.Gly82Ser; replaces glycine 82 with serine.
Molecular consequence: missense variant. On other transcripts: intron variant (1).
Genome position (GRCh38, 1-based): chr2:120,927,456, G>A. VCF-style: chr2-120927456-G-A. GRCh37 (hg19) VCF-style: chr2-121685032-G-A.
Other names: c.244G>A, p.Gly82Ser (NM_001371271.1, NM_005270.5); c.-121-23787G>A (NM_001374354.1); short protein forms G82S.
Identifiers: ClinVar variation 330965 (VCV000330965.9), dbSNP rs531807595, ClinGen allele CA1851460.